The following is an entry in ClinVar:

ClinVar aggregate classification (germline): Pathogenic (1 of 4 stars; one submission).

Submission:

Labcorp Genetics (formerly Invitae), Labcorp
Classification: Pathogenic. Last evaluated: 2026-01-12. Review status: criteria provided, single submitter. Criteria: Invitae Variant Classification Sherloc (09022015). Collection method: clinical testing. Allele origin: germline.
Comment: This sequence change creates a premature translational stop signal (p.Ser2975Ilefs*2) in the CPLANE1 gene. It is expected to result in an absent or disrupted protein product. Loss-of-function variants in CPLANE1 are known to be pathogenic (PMID: 24178751, 26092869). This variant is present in population databases (rs755235404, gnomAD 0.006%). This variant has not been reported in the literature in individuals affected with CPLANE1-related conditions. ClinVar contains an entry for this variant (Variation ID: 3660372). For these reasons, this variant has been classified as Pathogenic.

Literature cited by the submitters: PubMed 24178751; PubMed 26092869.

NM_001384732.1(CPLANE1):c.9084dup (p.Ser3029fs)

Gene: CPLANE1 (ciliogenesis and planar polarity effector complex subunit 1; minus strand). Cytogenetic location: 5p13.2.
Variant type: Duplication.
Coding change: c.9084dup on transcript NM_001384732.1 (MANE Select); coding-DNA position 9084, one base duplicated (A; older notation c.9084dupA).
Protein change: p.Ser3029fs; shifts the reading frame from serine 3029.
Molecular consequence: frameshift variant.
Genome position (GRCh38, 1-based): chr5:37,121,718, T duplicated on the plus strand (A on the coding strand, the reverse complement: CPLANE1 is on the minus strand). VCF-style (leftmost placement, unchanged base first): chr5-37121717-A-AT. GRCh37 (hg19) VCF-style: chr5-37121819-A-AT.
Other names: c.8922dup, p.Ser2975fs (NM_023073.4); short protein forms S2975fs, S3029fs.
Identifiers: ClinVar variation 3660372 (VCV003660372.2).
Genomic context (GRCh38, chr5:37,121,717, plus strand): 5'-TAGGGCTGGGTTTGTTAGGCAATGGTTTCTGTGGTAGAGTTGGTAGCTGTACTGACTCAG[A>AT]TAACAGTTCATTCATCAGACCGTACGCTTGTGAGATTCGACGACTATAGTGTTCAGAGAG-3'